The following is an entry in ClinVar:

NM_000533.5(PLP1):c.453+123C>T

Genes: PLP1 (proteolipid protein 1; plus strand), RAB9B (RAB9B, member RAS oncogene family; minus strand). Cytogenetic location: Xq22.2.
Variant type: single nucleotide variant.
Coding change: c.453+123C>T on transcript NM_000533.5 (MANE Select); 123 bases into the intron after coding-DNA position 453, C replaced by T.
Molecular consequence: intron variant.
Genome position (GRCh38, 1-based): chrX:103,786,849, C>T. VCF-style: chrX-103786849-C-T. GRCh37 (hg19) VCF-style: chrX-103041778-C-T.
Other names: c.453+123C>T (NM_001128834.3); c.348+228C>T (NM_199478.3); c.288+123C>T (NM_001305004.1).
Identifiers: ClinVar variation 2661104 (VCV002661104.24), dbSNP rs190720641, ClinGen allele CA334001185.

ClinVar aggregate classification (germline): Likely benign (1 of 4 stars; one submission).

Allele frequency attached by ClinVar (database versions not stated): TOPMed 0.00058; gnomAD 0.00070; gnomAD exomes 0.00126; 1000 Genomes Project 0.00159; 1000 Genomes Project 30x 0.00166.
gnomAD v4.1: 868 of 734,558 alleles (0.12%); highest among the groups gnomAD compares: South Asian, 0.97%; 4 homozygotes.

Submission:

CeGaT Center for Human Genetics Tuebingen
Classification: Likely benign. Last evaluated: 2024-07-01. Review status: criteria provided, single submitter. Criteria: CeGaT Center For Human Genetics Tuebingen Variant Classification Criteria Version 2. Collection method: clinical testing. Allele origin: germline. Affected: yes. Observed: 4 variant alleles.
Comment: PLP1: BS2